The following is an entry in ClinVar:

ClinVar aggregate classification (germline): Uncertain significance (1 of 4 stars; one submission).

Conditions:
Tay-Sachs disease (TSD). Also called: HEXA Disorders; HEXA DEFICIENCY; GM2 gangliosidosis, type 1; Hexosaminidase alpha-subunit deficiency (variant B); Sphingolipidosis, Tay-Sachs; Hexosaminidase A Deficiency. Identifiers: Orphanet 845, MedGen C0039373, MONDO:0010100, OMIM 272800.

Allele frequency attached by ClinVar (database versions not stated): gnomAD exomes 0.00001.
gnomAD v4.1: 8 of 1,613,736 alleles (0.0005%); highest among the groups gnomAD compares: Non-Finnish European, 0.00068%; no homozygotes.

Submission:

Labcorp Genetics (formerly Invitae), Labcorp
Classification: Uncertain significance for Tay-Sachs disease. Last evaluated: 2022-05-09. Review status: criteria provided, single submitter. Criteria: Invitae Variant Classification Sherloc (09022015). Collection method: clinical testing. Allele origin: germline.
Comment: This sequence change replaces glutamic acid, which is acidic and polar, with glycine, which is neutral and non-polar, at codon 525 of the HEXA protein (p.Glu525Gly). This variant is not present in population databases (gnomAD no frequency). This variant has not been reported in the literature in individuals affected with HEXA-related conditions. Algorithms developed to predict the effect of missense changes on protein structure and function are either unavailable or do not agree on the potential impact of this missense change (SIFT: "Deleterious"; PolyPhen-2: "Probably Damaging"; Align-GVGD: "Class C0"). In summary, the available evidence is currently insufficient to determine the role of this variant in disease. Therefore, it has been classified as a Variant of Uncertain Significance.

NM_000520.6(HEXA):c.1574A>G (p.Glu525Gly)

Gene: HEXA (hexosaminidase subunit alpha; minus strand). Cytogenetic location: 15q23.
Variant type: single nucleotide variant.
Coding change: c.1574A>G on transcript NM_000520.6 (MANE Select); coding-DNA position 1574, A replaced by G.
Protein change: p.Glu525Gly; replaces glutamic acid 525 with glycine.
Molecular consequence: missense variant.
Genome position (GRCh38, 1-based): chr15:72,344,093, T>C on the plus strand (A>G on the coding strand, the complement: HEXA is on the minus strand). VCF-style: chr15-72344093-T-C. GRCh37 (hg19) VCF-style: chr15-72636434-T-C.
Other names: c.1607A>G, p.Glu536Gly (NM_001318825.2); short protein forms E536G, E525G.
Identifiers: ClinVar variation 1985845 (VCV001985845.1), dbSNP rs2542505567, ClinGen allele CA393057320.
Genomic context (GRCh38, chr15:72,344,093, plus strand): 5'-ACTACCATTCACCTACAGCCAGCACCCTCCTCGGTGCCTGGGGCTCAGGTCTGTTCAAAC[T>C]CCTGCTCACAGAAGCCTACATTGAGGGGTTGGGCCTGGACACCTCGCCTGCAAGAGGACA-3'
Protein context (NP_000511.2, residues 515-529): QPLNVGFCEQ[Glu525Gly]FEQT